The following is an entry in ClinVar:

ClinVar aggregate classification (germline): Uncertain significance. Review status: criteria provided, multiple submitters, no conflicts (2 of 4 stars). 3 submissions from 3 submitters: Uncertain significance (3). Last evaluated 2022-09-14.

Conditions:
Retinitis pigmentosa (RP). Identifiers: Orphanet 791, MedGen C0035334, MeSH D012174, MONDO:0019200, OMIM 268000. Inheritance: Autosomal dominant, autosomal recessive and X linked inheritance.

Allele frequency attached by ClinVar (database versions not stated): ExAC 0.00002; gnomAD exomes 0.00001.
gnomAD v4.1: 5 of 1,614,040 alleles (0.00031%); highest among the groups gnomAD compares: South Asian, 0.0044%; no homozygotes.

Submissions (3):

Labcorp Genetics (formerly Invitae), Labcorp
Classification: Uncertain significance. Last evaluated: 2022-09-14. Review status: criteria provided, single submitter. Criteria: Invitae Variant Classification Sherloc (09022015). Collection method: clinical testing. Allele origin: germline.
Comment: In summary, the available evidence is currently insufficient to determine the role of this variant in disease. Therefore, it has been classified as a Variant of Uncertain Significance. Algorithms developed to predict the effect of missense changes on protein structure and function are either unavailable or do not agree on the potential impact of this missense change (SIFT: "Tolerated"; PolyPhen-2: "Not Available"; Align-GVGD: "Class C0"). ClinVar contains an entry for this variant (Variation ID: 366567). This variant has not been reported in the literature in individuals affected with TOPORS-related conditions. This variant is present in population databases (rs749210641, gnomAD 0.006%). This sequence change replaces arginine, which is basic and polar, with threonine, which is neutral and polar, at codon 598 of the TOPORS protein (p.Arg598Thr).

Illumina Laboratory Services, Illumina
Classification: Uncertain significance for Retinitis pigmentosa. Last evaluated: 2018-01-13. Review status: criteria provided, single submitter. Criteria: ICSL Variant Classification Criteria 13 December 2019. Collection method: clinical testing. Allele origin: germline.

Breakthrough Genomics
Classification: Uncertain significance. Review status: criteria provided, single submitter. Criteria: ACMG Guidelines, 2015. Collection method: not provided. Allele origin: germline. Inheritance: Autosomal recessive inheritance. Affected: yes.

NM_005802.5(TOPORS):c.1793G>C (p.Arg598Thr)

Gene: TOPORS (TOP1 binding arginine/serine rich protein, E3 ubiquitin ligase; minus strand). Cytogenetic location: 9p21.1.
Variant type: single nucleotide variant.
Coding change: c.1793G>C on transcript NM_005802.5 (MANE Select); coding-DNA position 1793, G replaced by C.
Protein change: p.Arg598Thr; replaces arginine 598 with threonine.
Molecular consequence: missense variant.
Genome position (GRCh38, 1-based): chr9:32,542,732, C>G on the plus strand (G>C on the coding strand, the complement: TOPORS is on the minus strand). VCF-style: chr9-32542732-C-G. GRCh37 (hg19) VCF-style: chr9-32542730-C-G.
Other names: c.1598G>C, p.Arg533Thr (NM_001195622.2); short protein forms R598T, R533T.
Identifiers: ClinVar variation 366567 (VCV000366567.11), dbSNP rs749210641, ClinGen allele CA5020470.